The following is an entry in ClinVar:

ClinVar aggregate classification (germline): Pathogenic. Review status: criteria provided, multiple submitters, no conflicts (2 of 4 stars). 5 submissions from 5 submitters: Pathogenic (4). 1 of the submissions does not count toward it. Last evaluated 2025-10-31.

Conditions:
COL4A4-related disorder.
Alport syndrome. Also called: Hemorrhagic familial nephritis; Hemorrhagic hereditary nephritis; Congenital hereditary hematuria. Identifiers: Orphanet 63, MedGen C1567741, MONDO:0018965.
Autosomal recessive Alport syndrome (ATS2). Also called: COL4A4 Alport Syndrome and Thin Basement Membrane Nephropathy; COL4A3-Related Nephropathy; ALPORT SYNDROME 2, AUTOSOMAL RECESSIVE; Alport syndrome type 2. Identifiers: Orphanet 63, Orphanet 88919, MedGen C4746745, MONDO:0008762, OMIM 203780.

Submissions (5):

Natera, Inc.
Classification: Pathogenic for Alport syndrome. Last evaluated: 2025-10-31. Review status: criteria provided, single submitter. Criteria: Natera Variant Classification Schema (03/2026). Collection method: clinical testing. Allele origin: germline.
Comment: The c.1143_1144del variant in COL4A4 is a frameshift variant predicted to shift the reading frame beginning at codon 383 and leads to a stop codon 46 codons downstream. This variant is expected to result in nonsense mediated decay, truncation, or a dysfunctional protein product. This variant is rare in the general population with a frequency below the threshold expected for the associated phenotype(s). This variant has been observed in one or more individuals affected with the associated recessive disease, as either homozygous or compound heterozygous with a second variant (PMID: 37097554). Additionally, this variant has been observed to segregate in affected family members (PMID: 33838161). Given the available evidence, this variant is classified as Pathogenic.

Labcorp Genetics (formerly Invitae), Labcorp
Classification: Pathogenic. Last evaluated: 2025-05-15. Review status: criteria provided, single submitter. Criteria: Invitae Variant Classification Sherloc (09022015). Collection method: clinical testing. Allele origin: germline.
Comment: This sequence change creates a premature translational stop signal (p.Asp383Cysfs*46) in the COL4A4 gene. It is expected to result in an absent or disrupted protein product. Loss-of-function variants in COL4A4 are known to be pathogenic (PMID: 21196518, 24854265, 25307543). This variant is not present in population databases (gnomAD no frequency). This variant has not been reported in the literature in individuals affected with COL4A4-related conditions. ClinVar contains an entry for this variant (Variation ID: 1385943). For these reasons, this variant has been classified as Pathogenic.

3billion
Classification: Pathogenic for Autosomal recessive Alport syndrome. Last evaluated: 2025-03-20. Review status: criteria provided, single submitter. Criteria: ACMG Guidelines, 2015. Collection method: clinical testing. Allele origin: germline. Affected: yes.
Comment: The variant is observed at an extremely low frequency in the gnomAD v4.1.0 dataset (total allele frequency: <0.001%). Predicted Consequence/Location: Frameshift: predicted to result in a loss or disruption of normal protein function through nonsense-mediated decay (NMD) or protein truncation. Multiple pathogenic variants are reported downstream of the variant. The variant has been reported to be associated with COL4A4-related disorder (ClinVar ID: VCV001385943 / PMID: 33838161). Therefore, this variant is classified as Pathogenic according to the recommendation of ACMG/AMP guideline.

Blueprint Genetics
Classification: Pathogenic for COL4A4-related disorders. Last evaluated: 2021-07-08. Review status: criteria provided, single submitter. Criteria: ACMG Guidelines, 2015. Collection method: clinical testing. Allele origin: germline. Affected: yes. Observed: 1 variant allele.

PreventionGenetics, part of Exact Sciences
Classification: Pathogenic for COL4A4-related condition. Last evaluated: 2024-02-03. Review status: no assertion criteria provided. Collection method: clinical testing. Allele origin: germline. Not counted in ClinVar's aggregate classification.
Comment: The COL4A4 c.1143_1144delAG variant is predicted to result in a frameshift and premature protein termination (p.Asp383Cysfs*46). This variant was reported to segregate in many family members with features of COL4A4-related disorders (Supp Table 2, family 223 Furlano et al 2021. PubMed ID: 33838161). This variant was also reported in a patient with IgA nephropathy with thinned glomerular basement membrane (Supp. Table 5 in Yuan X et al 2022. PubMed ID: 36130833). This variant has not been reported in a large population database, indicating this variant is rare. Frameshift variants in COL4A4 are expected to be pathogenic. This variant is interpreted as pathogenic.

Literature cited by the submitters: PubMed 37097554 (cited by Natera, Inc.); PubMed 33838161 (cited by Natera, Inc. and 3billion); PubMed 21196518 (cited by Labcorp Genetics (formerly Invitae), Labcorp); PubMed 24854265 (cited by Labcorp Genetics (formerly Invitae), Labcorp); PubMed 25307543 (cited by Labcorp Genetics (formerly Invitae), Labcorp).

NM_000092.5(COL4A4):c.1143_1144del (p.Asp383fs)

Gene: COL4A4 (collagen type IV alpha 4 chain; minus strand). Cytogenetic location: 2q36.3.
Variant type: Deletion.
Coding change: c.1143_1144del on transcript NM_000092.5 (MANE Select); coding-DNA positions 1143 to 1144, 2 bases deleted (AG; older notation c.1143_1144delAG).
Protein change: p.Asp383fs; shifts the reading frame from aspartic acid 383.
Molecular consequence: frameshift variant.
Genome position (GRCh38, 1-based): chr2:227,098,754-227,098,755, CT deleted on the plus strand (AG on the coding strand, the reverse complement: COL4A4 is on the minus strand). VCF-style (leftmost placement, unchanged base first): chr2-227098753-CCT-C. GRCh37 (hg19) VCF-style: chr2-227963469-CCT-C.
Other names: c.1143_1144del (NM_000092.4); c.1143_1144delAG (NM_000092.4); short protein forms D383fs.
Identifiers: ClinVar variation 1385943 (VCV001385943.11), dbSNP rs2150739953, ClinGen allele CA2573135436.